The following is an entry in ClinVar:

NM_001382391.1(CSPP1):c.3563C>T (p.Pro1188Leu)

Genes: ARFGEF1 (ARF guanine nucleotide exchange factor 1; minus strand), CSPP1 (centrosome and spindle pole associated protein 1; plus strand). Cytogenetic location: 8q13.2.
Variant type: single nucleotide variant.
Coding change: c.3563C>T on transcript NM_001382391.1 (MANE Select); coding-DNA position 3563, C replaced by T.
Protein change: p.Pro1188Leu; replaces proline 1188 with leucine.
Molecular consequence: missense variant. On other transcripts: 3 prime UTR variant (1), intron variant (2).
Genome position (GRCh38, 1-based): chr8:67,195,475, C>T. VCF-style: chr8-67195475-C-T. GRCh37 (hg19) VCF-style: chr8-68107710-C-T.
Other names: c.3395C>T, p.Pro1132Leu (NM_001438330.1); c.*55C>T (NM_001438331.1); c.2864C>T, p.Pro955Leu (NM_001438332.1); c.3548C>T, p.Pro1183Leu (NM_024790.7); c.5367+4921G>A (NM_001413186.1); c.5385+4921G>A (NM_001413187.1); c.2513C>T, p.Pro838Leu (NM_001291339.2); c.3482C>T, p.Pro1161Leu (NM_001363131.2); and 4 more; short protein forms P1123L, P1150L, P1161L, P1183L, P1210L, P1096L, P1188L, P838L.
Identifiers: ClinVar variation 2156396 (VCV002156396.1), dbSNP rs769955793, ClinGen allele CA4771213.

ClinVar aggregate classification (germline): Uncertain significance (1 of 4 stars; one submission).

Conditions:
Joubert syndrome 21 (JBTS21). Identifiers: MedGen C3810212, MONDO:0014288, OMIM 615636.

Allele frequency attached by ClinVar (database versions not stated): ExAC 0.00001; gnomAD 0.00003; TOPMed 0.00002.
gnomAD v4.1: 6 of 1,613,970 alleles (0.00037%); highest among the groups gnomAD compares: African/African-American, 0.0067%; no homozygotes.

Submission:

Labcorp Genetics (formerly Invitae), Labcorp
Classification: Uncertain significance for Joubert syndrome 21. Last evaluated: 2021-12-22. Review status: criteria provided, single submitter. Criteria: Invitae Variant Classification Sherloc (09022015). Collection method: clinical testing. Allele origin: germline.
Comment: This sequence change replaces proline, which is neutral and non-polar, with leucine, which is neutral and non-polar, at codon 1183 of the CSPP1 protein (p.Pro1183Leu). This variant is present in population databases (rs769955793, gnomAD 0.008%). This variant has not been reported in the literature in individuals affected with CSPP1-related conditions. Algorithms developed to predict the effect of missense changes on protein structure and function are either unavailable or do not agree on the potential impact of this missense change (SIFT: "Deleterious"; PolyPhen-2: "Probably Damaging"; Align-GVGD: "Class C0"). In summary, the available evidence is currently insufficient to determine the role of this variant in disease. Therefore, it has been classified as a Variant of Uncertain Significance.